The following is an entry in ClinVar:

NM_001384732.1(CPLANE1):c.4609G>C (p.Val1537Leu)

Gene: CPLANE1 (ciliogenesis and planar polarity effector complex subunit 1; minus strand). Cytogenetic location: 5p13.2.
Variant type: single nucleotide variant.
Coding change: c.4609G>C on transcript NM_001384732.1 (MANE Select); coding-DNA position 4609, G replaced by C.
Protein change: p.Val1537Leu; replaces valine 1537 with leucine.
Molecular consequence: missense variant.
Genome position (GRCh38, 1-based): chr5:37,183,572, C>G on the plus strand (G>C on the coding strand, the complement: CPLANE1 is on the minus strand). VCF-style: chr5-37183572-C-G. GRCh37 (hg19) VCF-style: chr5-37183674-C-G.
Other names: c.4609G>C, p.Val1537Leu (NM_023073.4); short protein forms V1537L.
Identifiers: ClinVar variation 2127801 (VCV002127801.4), dbSNP rs563406970, ClinGen allele CA359497548.

ClinVar aggregate classification (germline): Uncertain significance (1 of 4 stars; one submission).

Submission:

Labcorp Genetics (formerly Invitae), Labcorp
Classification: Uncertain significance. Last evaluated: 2022-05-12. Review status: criteria provided, single submitter. Criteria: Invitae Variant Classification Sherloc (09022015). Collection method: clinical testing. Allele origin: germline.
Comment: In summary, the available evidence is currently insufficient to determine the role of this variant in disease. Therefore, it has been classified as a Variant of Uncertain Significance. Advanced modeling of protein sequence and biophysical properties (such as structural, functional, and spatial information, amino acid conservation, physicochemical variation, residue mobility, and thermodynamic stability) performed at Invitae indicates that this missense variant is not expected to disrupt CPLANE1 protein function. This variant has not been reported in the literature in individuals affected with CPLANE1-related conditions. This variant is not present in population databases (gnomAD no frequency). This sequence change replaces valine, which is neutral and non-polar, with leucine, which is neutral and non-polar, at codon 1537 of the CPLANE1 protein (p.Val1537Leu).